The following is an entry in ClinVar:

ClinVar aggregate classification (germline): Uncertain significance (1 of 4 stars; one submission).

Submission:

Labcorp Genetics (formerly Invitae), Labcorp
Classification: Uncertain significance. Last evaluated: 2025-12-09. Review status: criteria provided, single submitter. Criteria: Invitae Variant Classification Sherloc (09022015). Collection method: clinical testing. Allele origin: germline.
Comment: This sequence change replaces leucine, which is neutral and non-polar, with phenylalanine, which is neutral and non-polar, at codon 114 of the MYLK3 protein (p.Leu114Phe). This variant is not present in population databases (gnomAD no frequency). This variant has not been reported in the literature in individuals affected with MYLK3-related conditions. An algorithm developed to predict the effect of missense changes on protein structure and function (PolyPhen-2) suggests that this variant is likely to be disruptive. In summary, the available evidence is currently insufficient to determine the role of this variant in disease. Therefore, it has been classified as a Variant of Uncertain Significance.

NM_182493.3(MYLK3):c.340C>T (p.Leu114Phe)

Gene: MYLK3 (myosin light chain kinase 3; minus strand). Cytogenetic location: 16q11.2.
Variant type: single nucleotide variant.
Coding change: c.340C>T on transcript NM_182493.3 (MANE Select); coding-DNA position 340, C replaced by T.
Protein change: p.Leu114Phe; replaces leucine 114 with phenylalanine.
Molecular consequence: missense variant. On other transcripts: intron variant (1).
Genome position (GRCh38, 1-based): chr16:46,747,854, G>A on the plus strand (C>T on the coding strand, the complement: MYLK3 is on the minus strand). VCF-style: chr16-46747854-G-A. GRCh37 (hg19) VCF-style: chr16-46781766-G-A.
Other names: c.-113-7707C>T (NM_001308301.1); short protein forms L114F.
Identifiers: ClinVar variation 4700571 (VCV004700571.1).